The following is an entry in ClinVar:

ClinVar aggregate classification (germline): Conflicting classifications of pathogenicity. Review status: criteria provided, conflicting classifications (1 of 4 stars). 3 submissions from 3 submitters: Uncertain significance (2); Likely benign (1). Last evaluated 2023-06-02.

Conditions:
GALK1-related disorder. Also called: GALK1-related condition.
Inborn genetic diseases. Identifiers: MedGen C0950123, MeSH D030342.

Allele frequency attached by ClinVar (database versions not stated): gnomAD exomes 0.00003 and 0.00006; ExAC 0.00004; TOPMed 0.00005; gnomAD 0.00008 and 0.00009; ESP Exome Variant Server 0.00015.
gnomAD v4.1: 92 of 1,613,750 alleles (0.0057%); highest among the groups gnomAD compares: African/African-American, 0.017%; no homozygotes.

Submissions (3):

Ambry Genetics
Classification: Likely benign for Inborn genetic diseases. Last evaluated: 2023-06-02. Review status: criteria provided, single submitter. Criteria: Ambry Variant Classification Scheme 2023. Collection method: clinical testing. Allele origin: germline.

PreventionGenetics, part of Exact Sciences
Classification: Uncertain significance for GALK1-related condition. Last evaluated: 2023-03-12. Review status: criteria provided, single submitter. Criteria: ACMG Guidelines, 2015. Collection method: clinical testing. Allele origin: germline.
Comment: The GALK1 c.743G>A variant is predicted to result in the amino acid substitution p.Arg248Gln. To our knowledge, this variant has not been reported in the literature. An alternate substitution impacting the same amino acid (p.Arg248Trp) has been reported along with a second GALK1 variant in a patient with pediatric cataracts (Javadiyan et al. 2018. PubMed ID: 29770612). The c.743G>A (p.Arg248Gln) variant is reported in 0.020% of alleles in individuals of African descent in gnomAD. At this time, the clinical significance of this variant is uncertain due to the absence of conclusive functional and genetic evidence.

Women's Health and Genetics/Laboratory Corporation of America, LabCorp
Classification: Uncertain significance. Last evaluated: 2022-03-18. Review status: criteria provided, single submitter. Criteria: LabCorp Variant Classification Summary - May 2015. Collection method: clinical testing. Allele origin: germline.

NM_000154.2(GALK1):c.743G>A (p.Arg248Gln)

Gene: GALK1 (galactokinase 1; minus strand). Cytogenetic location: 17q25.1.
Variant type: single nucleotide variant.
Coding change: c.743G>A on transcript NM_000154.2 (MANE Select); coding-DNA position 743, G replaced by A.
Protein change: p.Arg248Gln; replaces arginine 248 with glutamine.
Molecular consequence: missense variant.
Genome position (GRCh38, 1-based): chr17:75,762,754, C>T on the plus strand (G>A on the coding strand, the complement: GALK1 is on the minus strand). VCF-style: chr17-75762754-C-T. GRCh37 (hg19) VCF-style: chr17-73758835-C-T.
Other names: c.743G>A, p.Arg248Gln (NM_001381985.1); short protein forms R248Q.
Identifiers: ClinVar variation 1677131 (VCV001677131.4), dbSNP rs368904895, ClinGen allele CA8770843.